The following is an entry in ClinVar:

NM_153717.3(EVC):c.1963G>A (p.Ala655Thr)

Gene: EVC (EvC ciliary complex subunit 1; plus strand). Cytogenetic location: 4p16.2.
Variant type: single nucleotide variant.
Coding change: c.1963G>A on transcript NM_153717.3 (MANE Select); coding-DNA position 1963, G replaced by A.
Protein change: p.Ala655Thr; replaces alanine 655 with threonine.
Molecular consequence: missense variant.
Genome position (GRCh38, 1-based): chr4:5,797,098, G>A. VCF-style: chr4-5797098-G-A. GRCh37 (hg19) VCF-style: chr4-5798825-G-A.
Other names: c.1963G>A, p.Ala655Thr (NM_001306090.2); short protein forms A655T.
Identifiers: ClinVar variation 618630 (VCV000618630.26), dbSNP rs149344570, ClinGen allele CA2836332.
Genomic context (GRCh38, chr4:5,797,098, plus strand): 5'-CTGCAGGGGCATGACCTGCTGTTGCGCTCAGCCCTCCGGAGGCTGGCACTCCGCGGCAAC[G>A]CCCTGGCCACCCTGACGCAGATGCGGCTATCGGGGAAGAAGCACCTCCTGCAGGAGCTGC-3'
Protein context (NP_714928.1, residues 645-665): ALRRLALRGN[Ala655Thr]LATLTQMRLS

ClinVar aggregate classification (germline): Conflicting classifications of pathogenicity. Review status: criteria provided, conflicting classifications (1 of 4 stars). 6 submissions from 6 submitters: Uncertain significance (1); Likely benign (5). Last evaluated 2026-01-24.

Conditions:
Inborn genetic diseases. Identifiers: MedGen C0950123, MeSH D030342.
Ellis-van Creveld syndrome (EVC). Also called: Chondroectodermal dysplasia; MESOECTODERMAL DYSPLASIA. Identifiers: Orphanet 289, MedGen C0013903, MONDO:0009162, OMIM 225500.
Curry-Hall syndrome (WAD). Also called: WEYERS ACRODENTAL DYSOSTOSIS. Identifiers: Orphanet 952, MedGen C0457013, MONDO:0008673, OMIM 193530.

Allele frequency attached by ClinVar (database versions not stated): gnomAD exomes 0.00018 and 0.00051; ExAC 0.00064; gnomAD 0.00171 and 0.00177; TOPMed 0.00185; ESP Exome Variant Server 0.00208; 1000 Genomes Project 30x 0.00250; 1000 Genomes Project 0.00260.
gnomAD v4.1: 548 of 1,613,546 alleles (0.034%); highest among the groups gnomAD compares: African/African-American, 0.6%; 2 homozygotes.

Submissions (6):

Labcorp Genetics (formerly Invitae), Labcorp
Classification: Likely benign for Curry-Hall syndrome; Ellis-van Creveld syndrome. Last evaluated: 2026-01-24. Review status: criteria provided, single submitter. Criteria: Invitae Variant Classification Sherloc (09022015). Collection method: clinical testing. Allele origin: germline.

Ambry Genetics
Classification: Uncertain significance for Inborn genetic diseases. Last evaluated: 2025-01-26. Review status: criteria provided, single submitter. Criteria: Ambry Variant Classification Scheme 2023. Collection method: clinical testing. Allele origin: germline.

Women's Health and Genetics/Laboratory Corporation of America, LabCorp
Classification: Likely benign. Last evaluated: 2025-01-07. Review status: criteria provided, single submitter. Criteria: LabCorp Variant Classification Summary - May 2015. Collection method: clinical testing. Allele origin: germline.
Comment: Variant summary: EVC c.1963G>A (p.Ala655Thr) results in a non-conservative amino acid change in the encoded protein sequence. Four of five in-silico tools predict a benign effect of the variant on protein function. The variant allele was found at a frequency of 0.00051 in 249850 control chromosomes, predominantly at a frequency of 0.0072 within the African or African-American subpopulation in the gnomAD database. The observed variant frequency within African or African-American control individuals in the gnomAD database exceeds the estimated maximal expected allele frequency for a pathogenic variant in EVC causing Ellis-van Creveld syndrome phenotype. To our knowledge, no occurrence of c.1963G>A in individuals affected with Ellis-van Creveld syndrome and no experimental evidence demonstrating its impact on protein function have been reported. ClinVar contains an entry for this variant (Variation ID: 618630). Based on the evidence outlined above, the variant was classified as likely benign.

Blueprint Genetics
Classification: Likely benign. Last evaluated: 2024-10-24. Review status: criteria provided, single submitter. Criteria: ACMG Guidelines, 2015. Collection method: clinical testing. Allele origin: germline.

GeneDx
Classification: Likely benign. Last evaluated: 2021-05-21. Review status: criteria provided, single submitter. Criteria: GeneDx Variant Classification Process June 2021. Collection method: clinical testing. Allele origin: germline. Affected: yes.

ARUP Laboratories, Molecular Genetics and Genomics, ARUP Laboratories
Classification: Likely benign. Last evaluated: 2017-10-25. Review status: criteria provided, single submitter. Criteria: ARUP Molecular Germline Variant Investigation Process. Collection method: clinical testing. Allele origin: germline.